The following is an entry in ClinVar:

NM_001378615.1(CC2D2A):c.1268G>A (p.Arg423Gln)

Genes: CC2D2A (coiled-coil and C2 domain containing 2A; plus strand), FBXL5 (F-box and leucine rich repeat protein 5; minus strand). Cytogenetic location: 4p15.32.
Variant type: single nucleotide variant.
Coding change: c.1268G>A on transcript NM_001378615.1 (MANE Select); coding-DNA position 1268, G replaced by A.
Protein change: p.Arg423Gln; replaces arginine 423 with glutamine.
Molecular consequence: missense variant.
Genome position (GRCh38, 1-based): chr4:15,527,565, G>A. VCF-style: chr4-15527565-G-A. GRCh37 (hg19) VCF-style: chr4-15529188-G-A.
Other names: c.1268G>A, p.Arg423Gln (NM_001080522.2); c.1121G>A, p.Arg374Gln (NM_001378617.1); short protein forms R374Q, R423Q.
Identifiers: ClinVar variation 1058499 (VCV001058499.7), dbSNP rs780924556, ClinGen allele CA2863623.

ClinVar aggregate classification (germline): Conflicting classifications of pathogenicity. Review status: criteria provided, conflicting classifications (1 of 4 stars). 3 submissions from 3 submitters: Uncertain significance (2); Likely benign (1). Last evaluated 2026-08-19.

Conditions:
COACH syndrome 2. Identifiers: MedGen C5436837, MONDO:0030859, OMIM 619111.
Meckel syndrome, type 6. Identifiers: Orphanet 564, MedGen C2676790, MONDO:0012848, OMIM 612284.
Joubert syndrome 9 (JBTS9). Identifiers: Orphanet 2318, MedGen C2676788, MONDO:0012849, OMIM 612285.
Retinitis pigmentosa 93. Identifiers: MedGen C5676970, MONDO:0030797, OMIM 619845.
Joubert syndrome. Also called: JOUBERT-BOLTSHAUSER SYNDROME; Familial aplasia of the vermis. Identifiers: Orphanet 475, MedGen C5979921, MONDO:0018772.
Meckel-Gruber syndrome. Also called: Dysencephalia splachnocystica; DYSENCEPHALIA SPLANCHNOCYSTICA; GRUBER SYNDROME. Identifiers: Orphanet 564, MedGen C0265215, MONDO:0018921.
Joubert syndrome and related disorders. Identifiers: Orphanet 140874, MedGen C5679612, MONDO:0015369.

Allele frequency attached by ClinVar (database versions not stated): gnomAD exomes 0.00004 and 0.00006; gnomAD 0.00005 and 0.00006; ExAC 0.00007; TOPMed 0.00009.
gnomAD v4.1: 63 of 1,613,366 alleles (0.0039%); highest among the groups gnomAD compares: East Asian, 0.071%; no homozygotes.

Submissions (3):

Myriad Genetics, Inc.
Classification: Uncertain significance for Joubert syndrome and related disorders. Last evaluated: 2026-08-19. Review status: criteria provided, single submitter. Criteria: Myriad Autosomal Dominant, Autosomal Recessive and X-Linked Classification Criteria (2023). Collection method: clinical testing. Allele origin: unknown.
Comment: NM_001080522.2(CC2D2A):c.1268G>A(R423Q) is a missense variant classified as a variant of uncertain significance in the context of CC2D2A-related disorders. R423Q has been observed in a case with relevant disease (PMID: 41550404). Relevant functional assessments of this variant are not available in the literature. R423Q has been observed in referenced population frequency databases. In summary, there is insufficient evidence to classify NM_001080522.2(CC2D2A):c.1268G>A(R423Q) as pathogenic or benign. Please note: this variant was assessed in the context of healthy population screening.

Labcorp Genetics (formerly Invitae), Labcorp
Classification: Likely benign for Joubert syndrome; Meckel-Gruber syndrome. Last evaluated: 2025-12-31. Review status: criteria provided, single submitter. Criteria: Invitae Variant Classification Sherloc (09022015). Collection method: clinical testing. Allele origin: germline.

Fulgent Genetics
Classification: Uncertain significance for Meckel syndrome, type 6; Joubert syndrome 9; COACH syndrome 2; Retinitis pigmentosa 93. Last evaluated: 2024-03-19. Review status: criteria provided, single submitter. Criteria: ACMG Guidelines, 2015. Collection method: clinical testing. Allele origin: germline.

Literature cited by the submitters: PubMed 41550404 (cited by Myriad Genetics, Inc.).